The following is an entry in ClinVar:

NM_000091.5(COL4A3):c.2962G>A (p.Gly988Arg)

Genes: COL4A3 (collagen type IV alpha 3 chain; plus strand), MFF-DT (MFF divergent transcript; minus strand). Cytogenetic location: 2q36.3.
Variant type: single nucleotide variant.
Coding change: c.2962G>A on transcript NM_000091.5 (MANE Select); coding-DNA position 2962, G replaced by A.
Protein change: p.Gly988Arg; replaces glycine 988 with arginine.
Molecular consequence: missense variant.
Genome position (GRCh38, 1-based): chr2:227,289,230, G>A. VCF-style: chr2-227289230-G-A. GRCh37 (hg19) VCF-style: chr2-228153946-G-A.
Other names: c.2962G>A (NM_000091.4); short protein forms G988R.
Identifiers: ClinVar variation 562450 (VCV000562450.5), dbSNP rs769683665, ClinGen allele CA2147063.

ClinVar aggregate classification (germline): Conflicting classifications of pathogenicity. Review status: criteria provided, conflicting classifications (1 of 4 stars). 6 submissions from 6 submitters: Likely pathogenic (3); Uncertain significance (2). 1 of the submissions does not count toward it. Last evaluated 2026-10-08.

Conditions:
Autosomal dominant Alport syndrome (ATS3A). Also called: ALPORT SYNDROME 3A, AUTOSOMAL DOMINANT; Alport syndrome dominant type; Renal failure and sensorineural hearing loss. Identifiers: Orphanet 63, Orphanet 88918, MedGen C5882663, MONDO:0007086, OMIM 104200.
Alport syndrome 3b, autosomal recessive. Identifiers: MedGen C5882699, MONDO:0957811, OMIM 620536.
Hematuria, benign familial, 2 (BFH2). Identifiers: MedGen C5830421, MONDO:0958186, OMIM 620320.
Alport syndrome. Also called: Hemorrhagic familial nephritis; Hemorrhagic hereditary nephritis; Congenital hereditary hematuria. Identifiers: Orphanet 63, MedGen C1567741, MONDO:0018965.
Autosomal recessive Alport syndrome (ATS2). Also called: ALPORT SYNDROME 2, AUTOSOMAL RECESSIVE; Alport syndrome type 2; COL4A3-Related Nephropathy; COL4A4 Alport Syndrome and Thin Basement Membrane Nephropathy. Identifiers: Orphanet 63, Orphanet 88919, MedGen C4746745, MONDO:0008762, OMIM 203780.

Allele frequency attached by ClinVar (database versions not stated): gnomAD exomes below 0.00001; TOPMed below 0.00001; ExAC 0.00001; gnomAD 0.00001.
gnomAD v4.1: 7 of 1,613,200 alleles (0.00043%); highest among the groups gnomAD compares: Admixed American, 0.0033%; no homozygotes.

Submissions (6):

MVZ Medizinische Genetik Mainz
Classification: Likely pathogenic for Autosomal dominant Alport syndrome. Last evaluated: 2026-10-08. Review status: criteria provided, single submitter. Criteria: UK Practice Guidelines For Variant Classification V4 01 2020. Collection method: clinical testing. Allele origin: germline. Inheritance: Autosomal dominant inheritance. Affected: yes. Observed: 1 variant allele.
Comment: ACMG Criteria: PM1_STR,PM2_SUP,PP3,PP4

Labcorp Genetics (formerly Invitae), Labcorp
Classification: Uncertain significance. Last evaluated: 2025-10-15. Review status: criteria provided, single submitter. Criteria: Invitae Variant Classification Sherloc (09022015). Collection method: clinical testing. Allele origin: germline.
Comment: This sequence change replaces glycine, which is neutral and non-polar, with arginine, which is basic and polar, at codon 988 of the COL4A3 protein (p.Gly988Arg). This variant is present in population databases (rs769683665, gnomAD 0.0009%). This missense change has been observed in individual(s) with COL4A3-related conditions (PMID: 38908538). ClinVar contains an entry for this variant (Variation ID: 562450). Invitae Evidence Modeling of protein sequence and biophysical properties (such as structural, functional, and spatial information, amino acid conservation, physicochemical variation, residue mobility, and thermodynamic stability) indicates that this missense variant is expected to disrupt COL4A3 protein function with a positive predictive value of 80%. In summary, the available evidence is currently insufficient to determine the role of this variant in disease. Therefore, it has been classified as a Variant of Uncertain Significance.

Natera, Inc.
Classification: Likely pathogenic for Alport syndrome. Last evaluated: 2025-08-26. Review status: criteria provided, single submitter. Criteria: Natera Variant Classification Schema (03/2026). Collection method: clinical testing. Allele origin: germline.
Comment: The c.2962G>A variant in COL4A3 is a missense variant predicted to cause substitution of glycine to arginine at amino acid 988. This variant is rare in the general population with a frequency below the threshold expected for the associated phenotype(s). This variant is located in a functionally critical region of the protein. Computational prediction algorithms indicate this variant is likely to affect gene or protein function. Given the available evidence, this variant is classified as Likely Pathogenic.

Fulgent Genetics
Classification: Likely pathogenic for Autosomal dominant Alport syndrome; Hematuria, benign familial, 2; Alport syndrome 3b, autosomal recessive. Last evaluated: 2024-05-18. Review status: criteria provided, single submitter. Criteria: ACMG Guidelines, 2015. Collection method: clinical testing. Allele origin: germline.

Neuberg Centre For Genomic Medicine, NCGM
Classification: Uncertain significance for Autosomal recessive Alport syndrome. Last evaluated: 2023-03-01. Review status: criteria provided, single submitter. Criteria: ACMG Guidelines, 2015. Collection method: clinical testing. Allele origin: germline. Inheritance: Autosomal recessive inheritance. Affected: yes.
Comment: The missense variant c.2962G>A(p.Gly988Arg) in COL4A3 gene has been reported previously in heterozygous state with monogenic steroid-resistant nephrotic syndrome (Larisa Prikhodina, et al., 2021). The variant has 0.0004% allele frequency in gnomAD Exomes and is novel (not in any individuals) in 1000 Genomes. The amino acid Glycine at position 988 is changed to a Arginine changing protein sequence and it might alter its composition and physico-chemical properties. This variant has been reported to the ClinVar database as Likely Pathogenic. However, study on multiple affected individuals and functional impact of the variant is not available. The variant is predicted to be damaging by SIFT. The amino acid change p.Gly988Arg in COL4A3 is predicted as conserved by GERP++ and PhyloP across 100 vertebrates. For these reasons, this variant has been classified as Uncertain Significance.

Gharavi Laboratory, Columbia University
Classification: Likely pathogenic. Last evaluated: 2018-09-16. Review status: no assertion criteria provided. Criteria: ACMG Guidelines, 2015. Collection method: research. Allele origin: germline. Affected: yes. Not counted in ClinVar's aggregate classification.

Literature cited by the submitters: PubMed 38908538 (cited by Labcorp Genetics (formerly Invitae), Labcorp).